The following is an entry in ClinVar:

ClinVar aggregate classification (germline): Conflicting classifications of pathogenicity. Review status: criteria provided, conflicting classifications (1 of 4 stars). 3 submissions from 3 submitters: Uncertain significance (1); Likely benign (1). 1 of the submissions does not count toward it. Last evaluated 2026-01-20.

Conditions:
DCDC2-related disorder. Also called: DCDC2-related condition.
Autosomal recessive nonsyndromic hearing loss 66 (DFNB66). Also called: Deafness, autosomal recessive 66. Identifiers: Orphanet 90636, MedGen C1857750, MONDO:0012442, OMIM 610212.
Isolated neonatal sclerosing cholangitis (NSC). Also called: Sclerosing cholangitis, neonatal. Identifiers: Orphanet 480556, MedGen C4479344, MONDO:0018816, OMIM 617394.

Allele frequency attached by ClinVar (database versions not stated): ExAC 0.00013; gnomAD 0.00013 and 0.00014; TOPMed 0.00019.
gnomAD v4.1: 195 of 1,595,528 alleles (0.012%); highest among the groups gnomAD compares: Admixed American, 0.015%; no homozygotes.

Submissions (3):

Labcorp Genetics (formerly Invitae), Labcorp
Classification: Likely benign for Autosomal recessive nonsyndromic hearing loss 66; Isolated neonatal sclerosing cholangitis. Last evaluated: 2026-01-20. Review status: criteria provided, single submitter. Criteria: Invitae Variant Classification Sherloc (09022015). Collection method: clinical testing. Allele origin: germline.

Eurofins Ntd Llc (ga)
Classification: Uncertain significance. Last evaluated: 2017-12-13. Review status: criteria provided, single submitter. Criteria: EGL Classification Definitions 2015. Collection method: clinical testing. Allele origin: germline. Observed: 1 variant allele, 1 heterozygote.

PreventionGenetics, part of Exact Sciences
Classification: Likely benign for DCDC2-related condition. Last evaluated: 2023-03-02. Review status: no assertion criteria provided. Collection method: clinical testing. Allele origin: germline. Not counted in ClinVar's aggregate classification.
Comment: This variant is classified as likely benign based on ACMG/AMP sequence variant interpretation guidelines (Richards et al. 2015 PMID: 25741868, with internal and published modifications).

NM_016356.5(DCDC2):c.349-9C>G

Gene: DCDC2 (doublecortin domain containing 2; minus strand). Cytogenetic location: 6p22.3.
Variant type: single nucleotide variant.
Coding change: c.349-9C>G on transcript NM_016356.5 (MANE Select); 9 bases into the intron before coding-DNA position 349, C replaced by G.
Molecular consequence: intron variant.
Genome position (GRCh38, 1-based): chr6:24,302,053, G>C on the plus strand (C>G on the coding strand, the complement: DCDC2 is on the minus strand). VCF-style: chr6-24302053-G-C. GRCh37 (hg19) VCF-style: chr6-24302281-G-C.
Other names: c.349-9C>G (NM_001195610.2).
Identifiers: ClinVar variation 595384 (VCV000595384.16), dbSNP rs765613994, ClinGen allele CA3654792.
Genomic context (GRCh38, chr6:24,302,053, plus strand): 5'-GTTTTCTAAAGCGAGCTGACACGTTGATCCTGCTATGGATTACTGGTTTTACCTTTAAAA[G>C]CAAAGGAAAAAAAATATAAACCACTAAGCTTATATTAGCTTTTTTTTTCCTATGAGGAAA-3'